The following is an entry in ClinVar:

NM_001371623.1(TCOF1):c.2353del (p.Ser784_Val785insTer)

Gene: TCOF1 (treacle ribosome biogenesis factor 1; plus strand). Cytogenetic location: 5q32.
Variant type: Deletion.
Coding change: c.2353del on transcript NM_001371623.1 (MANE Select); coding-DNA position 2353, one base deleted (G; older notation c.2353delG).
Protein change: p.Ser784_Val785insTer.
Molecular consequence: nonsense.
Genome position (GRCh38, 1-based): chr5:150,378,917, G deleted. VCF-style (leftmost placement, unchanged base first): chr5-150378916-AG-A. GRCh37 (hg19) VCF-style: chr5-149758479-AG-A.
Other names: c.2122del, p.Ser707_Val708insTer (NM_000356.4, NM_001135245.2); c.2353del, p.Ser784_Val785insTer (NM_001008657.3, NM_001135243.2, NM_001135244.2 and 1 more transcripts).
Identifiers: ClinVar variation 644583 (VCV000644583.7), dbSNP rs1581136492, ClinGen allele CA915942676.

ClinVar aggregate classification (germline): Pathogenic (1 of 4 stars; one submission).

Conditions:
Treacher Collins syndrome 1 (TCS1). Also called: TCOF1-Related Treacher Collins Syndrome. Identifiers: Orphanet 861, MedGen CN315775, MONDO:0007944, OMIM 154500.

Submission:

Labcorp Genetics (formerly Invitae), Labcorp
Classification: Pathogenic for Treacher Collins syndrome 1. Last evaluated: 2018-12-27. Review status: criteria provided, single submitter. Criteria: Invitae Variant Classification Sherloc (09022015). Collection method: clinical testing. Allele origin: germline.
Comment: This variant has not been reported in the literature in individuals with TCOF1-related conditions. This variant is not present in population databases (ExAC no frequency). This sequence change creates a premature translational stop signal (p.Val785*) in the TCOF1 gene. It is expected to result in an absent or disrupted protein product. Loss-of-function variants in TCOF1 are known to be pathogenic (PMID: 8894686, 22317976). For these reasons, this variant has been classified as Pathogenic.

Literature cited by the submitters: PubMed 8894686; PubMed 22317976.